The following is an entry in ClinVar:

ClinVar aggregate classification (germline): Uncertain significance (1 of 4 stars; one submission).

Submission:

CeGaT Center for Human Genetics Tuebingen
Classification: Uncertain significance. Last evaluated: 2024-02-01. Review status: criteria provided, single submitter. Criteria: CeGaT Center For Human Genetics Tuebingen Variant Classification Criteria Version 2. Collection method: clinical testing. Allele origin: germline. Affected: yes. Observed: 1 variant allele.
Comment: SPG11: PM2

NM_025137.4(SPG11):c.5245T>C (p.Ser1749Pro)

Genes: SPG11 (SPG11 vesicle trafficking associated, spatacsin; minus strand), LOC130056971 (ATAC-STARR-seq lymphoblastoid silent region 6398; plus strand). Cytogenetic location: 15q21.1.
Variant type: single nucleotide variant.
Coding change: c.5245T>C on transcript NM_025137.4 (MANE Select); coding-DNA position 5245, T replaced by C.
Protein change: p.Ser1749Pro; replaces serine 1749 with proline.
Molecular consequence: missense variant. On other transcripts: intron variant (1).
Genome position (GRCh38, 1-based): chr15:44,584,435, A>G on the plus strand (T>C on the coding strand, the complement: SPG11 is on the minus strand). VCF-style: chr15-44584435-A-G. GRCh37 (hg19) VCF-style: chr15-44876633-A-G.
Other names: c.5245T>C, p.Ser1749Pro (NM_001160227.2); c.5122-21T>C (NM_001411132.1); short protein forms S1749P.
Identifiers: ClinVar variation 3025294 (VCV003025294.22), dbSNP rs200985723, ClinGen allele CA270080366.